The following is an entry in ClinVar:

NM_001113378.2(FANCI):c.2341C>A (p.Leu781Ile)

Gene: FANCI (FA complementation group I; plus strand). Cytogenetic location: 15q26.1.
Variant type: single nucleotide variant.
Coding change: c.2341C>A on transcript NM_001113378.2 (MANE Select); coding-DNA position 2341, C replaced by A.
Protein change: p.Leu781Ile; replaces leucine 781 with isoleucine.
Molecular consequence: missense variant.
Genome position (GRCh38, 1-based): chr15:89,293,882, C>A. VCF-style: chr15-89293882-C-A. GRCh37 (hg19) VCF-style: chr15-89837113-C-A.
Other names: c.2062C>A, p.Leu688Ile (NM_001376910.1); c.2341C>A, p.Leu781Ile (NM_001376911.1, NM_018193.3); short protein forms L688I, L781I.
Identifiers: ClinVar variation 835139 (VCV000835139.9), dbSNP rs560692029, ClinGen allele CA7723361.

ClinVar aggregate classification (germline): Uncertain significance. Review status: criteria provided, multiple submitters, no conflicts (2 of 4 stars). 4 submissions from 4 submitters: Uncertain significance (4). Last evaluated 2025-11-26.

Conditions:
Fanconi anemia (FA). Also called: Fanconi's anemia. Identifiers: Orphanet 84, MedGen C0015625, MeSH D005199, MONDO:0019391.
Fanconi anemia complementation group I (FANCI). Also called: FANCI-Related Fanconi Anemia. Identifiers: Orphanet 84, MedGen C1836861, MONDO:0012186, OMIM 609053.
Inborn genetic diseases. Identifiers: MedGen C0950123, MeSH D030342.

Allele frequency attached by ClinVar (database versions not stated): ExAC 0.00001; gnomAD 0.00001 and 0.00003; TOPMed 0.00003; gnomAD exomes 0.00004 and 0.00005.
gnomAD v4.1: 58 of 1,613,870 alleles (0.0036%); highest among the groups gnomAD compares: Admixed American, 0.012%; no homozygotes.

Submissions (4):

Ambry Genetics
Classification: Uncertain significance for Inborn genetic diseases. Last evaluated: 2025-11-26. Review status: criteria provided, single submitter. Criteria: Ambry Variant Classification Scheme 2023. Collection method: clinical testing. Allele origin: germline.

Labcorp Genetics (formerly Invitae), Labcorp
Classification: Uncertain significance for Fanconi anemia. Last evaluated: 2025-06-18. Review status: criteria provided, single submitter. Criteria: Invitae Variant Classification Sherloc (09022015). Collection method: clinical testing. Allele origin: germline.
Comment: This sequence change replaces leucine, which is neutral and non-polar, with isoleucine, which is neutral and non-polar, at codon 781 of the FANCI protein (p.Leu781Ile). This variant is present in population databases (rs560692029, gnomAD 0.02%). This variant has not been reported in the literature in individuals affected with FANCI-related conditions. ClinVar contains an entry for this variant (Variation ID: 835139). Invitae Evidence Modeling of protein sequence and biophysical properties (such as structural, functional, and spatial information, amino acid conservation, physicochemical variation, residue mobility, and thermodynamic stability) indicates that this missense variant is not expected to disrupt FANCI protein function with a negative predictive value of 80%. In summary, the available evidence is currently insufficient to determine the role of this variant in disease. Therefore, it has been classified as a Variant of Uncertain Significance.

Blueprint Genetics
Classification: Uncertain significance. Last evaluated: 2024-05-23. Review status: criteria provided, single submitter. Criteria: ACMG Guidelines, 2015. Collection method: clinical testing. Allele origin: germline.

Fulgent Genetics
Classification: Uncertain significance for Fanconi anemia complementation group I. Last evaluated: 2024-05-10. Review status: criteria provided, single submitter. Criteria: ACMG Guidelines, 2015. Collection method: clinical testing. Allele origin: germline.